The following is an entry in ClinVar:

ClinVar aggregate classification (germline): Uncertain significance (1 of 4 stars; one submission).

Conditions:
Neuronal ceroid lipofuscinosis 7 (CLN7). Also called: MFSD8-Related Neuronal Ceroid-Lipofuscinosis. Identifiers: Orphanet 168491, Orphanet 228366, MedGen C1838571, MONDO:0012588, OMIM 610951.

Allele frequency attached by ClinVar (database versions not stated): gnomAD 0.00001.
gnomAD v4.1: 1 of 1,612,446 alleles (0.000062%); highest among the groups gnomAD compares: Admixed American, 0.0017%; no homozygotes.

Submission:

Labcorp Genetics (formerly Invitae), Labcorp
Classification: Uncertain significance for Neuronal ceroid lipofuscinosis 7. Last evaluated: 2022-08-25. Review status: criteria provided, single submitter. Criteria: Invitae Variant Classification Sherloc (09022015). Collection method: clinical testing. Allele origin: germline.
Comment: In summary, the available evidence is currently insufficient to determine the role of this variant in disease. Therefore, it has been classified as a Variant of Uncertain Significance. Algorithms developed to predict the effect of missense changes on protein structure and function are either unavailable or do not agree on the potential impact of this missense change (SIFT: "Tolerated"; PolyPhen-2: "Probably Damaging"; Align-GVGD: "Class C0"). This variant has not been reported in the literature in individuals affected with MFSD8-related conditions. This variant is not present in population databases (gnomAD no frequency). This sequence change replaces threonine, which is neutral and polar, with asparagine, which is neutral and polar, at codon 301 of the MFSD8 protein (p.Thr301Asn).

NM_001371596.2(MFSD8):c.902C>A (p.Thr301Asn)

Gene: MFSD8 (major facilitator superfamily domain containing 8; minus strand). Cytogenetic location: 4q28.2.
Variant type: single nucleotide variant.
Coding change: c.902C>A on transcript NM_001371596.2 (MANE Select); coding-DNA position 902, C replaced by A.
Protein change: p.Thr301Asn; replaces threonine 301 with asparagine.
Molecular consequence: missense variant.
Genome position (GRCh38, 1-based): chr4:127,930,779, G>T on the plus strand (C>A on the coding strand, the complement: MFSD8 is on the minus strand). VCF-style: chr4-127930779-G-T. GRCh37 (hg19) VCF-style: chr4-128851934-G-T.
Other names: c.701C>A, p.Thr234Asn (NM_001363520.3); c.587C>A, p.Thr196Asn (NM_001363521.3); c.767C>A, p.Thr256Asn (NM_001371590.2); c.902C>A, p.Thr301Asn (NM_001371591.2, NM_152778.4); c.908C>A, p.Thr303Asn (NM_001371592.2); c.788C>A, p.Thr263Asn (NM_001371593.2, NM_001410766.1); c.755C>A, p.Thr252Asn (NM_001371594.2); c.620C>A, p.Thr207Asn (NM_001371595.1); and 1 more; short protein forms T207N, T252N, T256N, T263N, T303N, T151N, T196N, T234N.
Identifiers: ClinVar variation 1999050 (VCV001999050.3), dbSNP rs1737986485, ClinGen allele CA358173998.